The following is an entry in ClinVar:

ClinVar aggregate classification (germline): Benign (3 of 4 stars; one submission).

Conditions:
Breast-ovarian cancer, familial, susceptibility to, 1 (BROVCA1). Also called: BRCA1 Hereditary Breast and Ovarian Cancer; OVARIAN CANCER, SUSCEPTIBILITY TO. Identifiers: Orphanet 145, MedGen C2676676, MONDO:0011450, OMIM 604370. Disease mechanism: loss of function.

Allele frequency attached by ClinVar (database versions not stated): 1000 Genomes Project 30x 0.00953; gnomAD 0.00979 and 0.01049; 1000 Genomes Project 0.00998; TOPMed 0.01039.
gnomAD v4.1: 1,474 of 152,260 alleles (0.97%); highest among the groups gnomAD compares: African/African-American, 3.4%; 36 homozygotes.

Submission:

Evidence-based Network for the Interpretation of Germline Mutant Alleles (ENIGMA)
Classification: Benign for Breast-ovarian cancer, familial 1. Last evaluated: 2015-01-12. Review status: reviewed by expert panel. Criteria: ENIGMA BRCA1/2 Classification Criteria (2015). Collection method: curation. Allele origin: germline.
Comment: Class 1 not pathogenic based on frequency >1% in an outbred sampleset. Frequency 0.04878 (African), derived from 1000 genomes (2012-04-30).

NM_007294.4(BRCA1):c.4986+484A>T

Gene: BRCA1 (BRCA1 DNA repair associated; minus strand). Cytogenetic location: 17q21.31.
Variant type: single nucleotide variant.
Coding change: c.4986+484A>T on transcript NM_007294.4 (MANE Select); 484 bases into the intron after coding-DNA position 4986, A replaced by T.
Molecular consequence: intron variant.
Genome position (GRCh38, 1-based): chr17:43,070,444, T>A on the plus strand (A>T on the coding strand, the complement: BRCA1 is on the minus strand). VCF-style: chr17-43070444-T-A. GRCh37 (hg19) VCF-style: chr17-41222461-T-A.
Other names: IVS 16+484A>T; c.1533+484A>T (NM_001408458.1, NM_001408461.1, NM_001408464.1 and 7 more transcripts); c.4095+484A>T (NM_001407967.1); c.4605+484A>T (NM_001407959.1); c.4719+484A>T (NM_001407931.1, NM_001407932.1, NM_001407928.1 and 4 more transcripts); c.4842+484A>T (NM_001407747.1, NM_001407745.1, NM_001407737.1 and 21 more transcripts); c.4602+484A>T (NM_001407962.1, NM_001407960.1); c.1173+484A>T (NM_001408512.1); and 72 more.
Identifiers: ClinVar variation 209357 (VCV000209357.2), dbSNP rs8176221, ClinGen allele CA276329.
Genomic context (GRCh38, chr17:43,070,444, plus strand): 5'-GCAATTCCCATTTCTGGCATTAAGGACCCAAGGTGATGCCAAAATCCTAATAGCAAGGGA[T>A]ATTGCAGGGCAGAAGTGGCAGGGCATTCTTACAAGCCAGGATGAAAACAAACACTAGAGA-3'